The following is an entry in ClinVar:

NM_001271938.2(MEGF8):c.4512C>T (p.Ala1504=)

Gene: MEGF8 (multiple EGF like domains 8; plus strand). Cytogenetic location: 19q13.2.
Variant type: single nucleotide variant.
Coding change: c.4512C>T on transcript NM_001271938.2 (MANE Select); coding-DNA position 4512, C replaced by T.
Protein change: p.Ala1504=; no amino-acid change (alanine 1504 retained).
Molecular consequence: synonymous variant.
Genome position (GRCh38, 1-based): chr19:42,356,343, C>T. VCF-style: chr19-42356343-C-T. GRCh37 (hg19) VCF-style: chr19-42860495-C-T.
Other names: c.4311C>T, p.Ala1437= (NM_001410.3).
Identifiers: ClinVar variation 2571047 (VCV002571047.27), dbSNP rs756649655, ClinGen allele CA9475305.

ClinVar aggregate classification (germline): Likely benign (1 of 4 stars; one submission).

Allele frequency attached by ClinVar (database versions not stated): gnomAD exomes 0.00006; ExAC 0.00009; gnomAD 0.00009.
gnomAD v4.1: 107 of 1,612,174 alleles (0.0066%); highest among the groups gnomAD compares: African/African-American, 0.0013%; no homozygotes.

Submission:

CeGaT Center for Human Genetics Tuebingen
Classification: Likely benign. Last evaluated: 2023-06-01. Review status: criteria provided, single submitter. Criteria: CeGaT Center For Human Genetics Tuebingen Variant Classification Criteria Version 2. Collection method: clinical testing. Allele origin: germline. Affected: yes. Observed: 1 variant allele.
Comment: MEGF8: BP4, BP7